The following is an entry in ClinVar:

ClinVar aggregate classification (germline): Uncertain significance (1 of 4 stars; one submission).

Conditions:
Bardet-Biedl syndrome (BBS). Identifiers: Orphanet 110, MedGen C0752166, MONDO:0015229.

Submission:

Labcorp Genetics (formerly Invitae), Labcorp
Classification: Uncertain significance for Bardet-Biedl syndrome. Last evaluated: 2021-08-27. Review status: criteria provided, single submitter. Criteria: Invitae Variant Classification Sherloc (09022015). Collection method: clinical testing. Allele origin: germline.
Comment: This sequence change replaces leucine with proline at codon 550 of the BBS2 protein (p.Leu550Pro). The leucine residue is weakly conserved and there is a moderate physicochemical difference between leucine and proline. This variant is not present in population databases (ExAC no frequency). This variant has not been reported in the literature in individuals affected with BBS2-related conditions. Algorithms developed to predict the effect of missense changes on protein structure and function output the following: SIFT: "Tolerated"; PolyPhen-2: "Benign"; Align-GVGD: "Class C0". The proline amino acid residue is found in multiple mammalian species, which suggests that this missense change does not adversely affect protein function. In summary, the available evidence is currently insufficient to determine the role of this variant in disease. Therefore, it has been classified as a Variant of Uncertain Significance.

NM_031885.5(BBS2):c.1649T>C (p.Leu550Pro)

Gene: BBS2 (Bardet-Biedl syndrome 2; minus strand). Cytogenetic location: 16q13.
Variant type: single nucleotide variant.
Coding change: c.1649T>C on transcript NM_031885.5 (MANE Select); coding-DNA position 1649, T replaced by C.
Protein change: p.Leu550Pro; replaces leucine 550 with proline.
Molecular consequence: missense variant. On other transcripts: non-coding transcript variant (5).
Genome position (GRCh38, 1-based): chr16:56,498,447, A>G on the plus strand (T>C on the coding strand, the complement: BBS2 is on the minus strand). VCF-style: chr16-56498447-A-G. GRCh37 (hg19) VCF-style: chr16-56532359-A-G.
Other names: c.1649T>C, p.Leu550Pro (NM_001377456.1); short protein forms L550P.
Identifiers: ClinVar variation 1360964 (VCV001360964.5), dbSNP rs2144134545, ClinGen allele CA395976327.